The following is an entry in ClinVar:

ClinVar aggregate classification (germline): Uncertain significance (1 of 4 stars; one submission).

Conditions:
RASopathy. Also called: Noonan spectrum disorder; rasopathies. Identifiers: Orphanet 536391, MedGen C5555857, MONDO:0021060.

Allele frequency attached by ClinVar (database versions not stated): gnomAD 0.00001.
gnomAD v4.1: 10 of 1,602,858 alleles (0.00062%); highest among the groups gnomAD compares: Admixed American, 0.0034%; no homozygotes.

Submission:

Labcorp Genetics (formerly Invitae), Labcorp
Classification: Uncertain significance for RASopathy. Last evaluated: 2025-11-05. Review status: criteria provided, single submitter. Criteria: Invitae Variant Classification Sherloc (09022015). Collection method: clinical testing. Allele origin: germline.
Comment: This sequence change replaces glycine, which is neutral and non-polar, with arginine, which is basic and polar, at codon 302 of the MAP2K2 protein (p.Gly302Arg). This variant is not present in population databases (gnomAD no frequency). This variant has not been reported in the literature in individuals affected with MAP2K2-related conditions. ClinVar contains an entry for this variant (Variation ID: 2197952). Invitae Evidence Modeling of protein sequence and biophysical properties (such as structural, functional, and spatial information, amino acid conservation, physicochemical variation, residue mobility, and thermodynamic stability) indicates that this missense variant is not expected to disrupt MAP2K2 protein function with a negative predictive value of 95%. In summary, the available evidence is currently insufficient to determine the role of this variant in disease. Therefore, it has been classified as a Variant of Uncertain Significance.

NM_030662.4(MAP2K2):c.904G>A (p.Gly302Arg)

Gene: MAP2K2 (mitogen-activated protein kinase kinase 2; minus strand). Cytogenetic location: 19p13.3.
Variant type: single nucleotide variant.
Coding change: c.904G>A on transcript NM_030662.4 (MANE Select); coding-DNA position 904, G replaced by A.
Protein change: p.Gly302Arg; replaces glycine 302 with arginine.
Molecular consequence: missense variant.
Genome position (GRCh38, 1-based): chr19:4,099,216, C>T on the plus strand (G>A on the coding strand, the complement: MAP2K2 is on the minus strand). VCF-style: chr19-4099216-C-T. GRCh37 (hg19) VCF-style: chr19-4099214-C-T.
Other names: short protein forms G302R.
Identifiers: ClinVar variation 2197952 (VCV002197952.4), dbSNP rs759148204, ClinGen allele CA9090800.